The following is an entry in ClinVar:

ClinVar aggregate classification (germline): Uncertain significance (1 of 4 stars; one submission).

Allele frequency attached by ClinVar (database versions not stated): gnomAD exomes below 0.00001; ExAC 0.00002.
gnomAD v4.1: 1 of 1,613,166 alleles (0.000062%); highest among the groups gnomAD compares: Non-Finnish European, 0.000085%; no homozygotes.

Submission:

Labcorp Genetics (formerly Invitae), Labcorp
Classification: Uncertain significance. Last evaluated: 2023-03-14. Review status: criteria provided, single submitter. Criteria: Invitae Variant Classification Sherloc (09022015). Collection method: clinical testing. Allele origin: germline.
Comment: In summary, the available evidence is currently insufficient to determine the role of this variant in disease. Therefore, it has been classified as a Variant of Uncertain Significance. Advanced modeling of protein sequence and biophysical properties (such as structural, functional, and spatial information, amino acid conservation, physicochemical variation, residue mobility, and thermodynamic stability) performed at Invitae indicates that this missense variant is expected to disrupt PDX1 protein function. This variant has not been reported in the literature in individuals affected with PDX1-related conditions. The frequency data for this variant in the population databases is considered unreliable, as metrics indicate poor data quality at this position in the gnomAD database. This sequence change replaces asparagine, which is neutral and polar, with threonine, which is neutral and polar, at codon 196 of the PDX1 protein (p.Asn196Thr).

NM_000209.4(PDX1):c.587A>C (p.Asn196Thr)

Gene: PDX1 (pancreatic and duodenal homeobox 1; plus strand). Cytogenetic location: 13q12.2.
Variant type: single nucleotide variant.
Coding change: c.587A>C on transcript NM_000209.4 (MANE Select); coding-DNA position 587, A replaced by C.
Protein change: p.Asn196Thr; replaces asparagine 196 with threonine.
Molecular consequence: missense variant.
Genome position (GRCh38, 1-based): chr13:27,924,436, A>C. VCF-style: chr13-27924436-A-C. GRCh37 (hg19) VCF-style: chr13-28498573-A-C.
Other names: short protein forms N196T.
Identifiers: ClinVar variation 2845835 (VCV002845835.3), dbSNP rs771543377, ClinGen allele CA6927685.